The following is an entry in ClinVar:

ClinVar aggregate classification (germline): Uncertain significance. Review status: criteria provided, multiple submitters, no conflicts (2 of 4 stars). 3 submissions from 3 submitters: Uncertain significance (2). 1 of the submissions does not count toward it. Last evaluated 2024-10-23.

Conditions:
Congenital myasthenic syndrome 4A. Also called: CONGENITAL MYASTHENIC SYNDROME TYPE Ia1; Myasthenic syndrome, congenital, 4a, slow-channel; MYASTHENIC SYNDROME, CONGENITAL, 4A, SLOW-CHANNEL, AUTOSOMAL RECESSIVE. Identifiers: Orphanet 590, MedGen C4225413, MONDO:0011600, OMIM 605809.
Congenital myasthenic syndrome (CMS). Also called: Congenital Myasthenic Syndromes. Identifiers: Orphanet 590, MedGen C0751882, MeSH D020294, MONDO:0018940.

Allele frequency attached by ClinVar (database versions not stated): gnomAD 0.00006 and 0.00007; ESP Exome Variant Server 0.00008; TOPMed 0.00010.
gnomAD v4.1: 20 of 1,582,816 alleles (0.0013%); highest among the groups gnomAD compares: Middle Eastern, 0.033%; 1 homozygote.

Submissions (3):

Labcorp Genetics (formerly Invitae), Labcorp
Classification: Uncertain significance for Congenital myasthenic syndrome 4A. Last evaluated: 2024-10-23. Review status: criteria provided, single submitter. Criteria: Invitae Variant Classification Sherloc (09022015). Collection method: clinical testing. Allele origin: germline.
Comment: This sequence change replaces arginine, which is basic and polar, with cysteine, which is neutral and slightly polar, at codon 449 of the CHRNE protein (p.Arg449Cys). The frequency data for this variant in the population databases is considered unreliable, as metrics indicate poor data quality at this position in the gnomAD database. This variant has not been reported in the literature in individuals affected with CHRNE-related conditions. ClinVar contains an entry for this variant (Variation ID: 534258). Invitae Evidence Modeling of protein sequence and biophysical properties (such as structural, functional, and spatial information, amino acid conservation, physicochemical variation, residue mobility, and thermodynamic stability) indicates that this missense variant is not expected to disrupt CHRNE protein function with a negative predictive value of 80%. In summary, the available evidence is currently insufficient to determine the role of this variant in disease. Therefore, it has been classified as a Variant of Uncertain Significance.

Revvity Omics, Revvity
Classification: Uncertain significance. Last evaluated: 2023-07-12. Review status: criteria provided, single submitter. Criteria: ACMG Guidelines, 2015. Collection method: clinical testing. Allele origin: germline.

Natera, Inc.
Classification: Uncertain significance for Congenital myasthenic syndrome. Last evaluated: 2019-10-28. Review status: no assertion criteria provided. Collection method: clinical testing. Allele origin: germline. Not counted in ClinVar's aggregate classification.

NM_000080.4(CHRNE):c.1345C>T (p.Arg449Cys)

Gene: CHRNE (cholinergic receptor nicotinic epsilon subunit; minus strand). Cytogenetic location: 17p13.2.
Variant type: single nucleotide variant.
Coding change: c.1345C>T on transcript NM_000080.4 (MANE Select); coding-DNA position 1345, C replaced by T.
Protein change: p.Arg449Cys; replaces arginine 449 with cysteine.
Molecular consequence: missense variant.
Genome position (GRCh38, 1-based): chr17:4,898,873, G>A on the plus strand (C>T on the coding strand, the complement: CHRNE is on the minus strand). VCF-style: chr17-4898873-G-A. GRCh37 (hg19) VCF-style: chr17-4802168-G-A.
Other names: c.1345C>T, p.Arg449Cys (LRG_1254t1); short protein forms R449C.
Identifiers: ClinVar variation 534258 (VCV000534258.7), dbSNP rs149083639, ClinGen allele CA8313844.